The following is an entry in ClinVar:

ClinVar aggregate classification (germline): Benign/Likely benign. Review status: criteria provided, multiple submitters, no conflicts (2 of 4 stars). 3 submissions from 3 submitters: Benign (1); Likely benign (2). Last evaluated 2025-07-14.

Conditions:
Hereditary cancer-predisposing syndrome. Also called: Neoplastic Syndromes, Hereditary; Tumor predisposition; Hereditary Cancer Syndrome; Hereditary neoplastic syndrome. Identifiers: Orphanet 140162, MedGen C0027672, MeSH D009386, MONDO:0015356.
Familial adenomatous polyposis 1 (FAP1). Also called: FAMILIAL ADENOMATOUS POLYPOSIS 1, ATTENUATED; POLYPOSIS, ADENOMATOUS INTESTINAL. Identifiers: MedGen C2713442, MONDO:0021056, OMIM 175100. Disease mechanism: loss of function.

Allele frequency attached by ClinVar (database versions not stated): gnomAD exomes 0.00001.
gnomAD v4.1: 3 of 1,613,772 alleles (0.00019%); highest among the groups gnomAD compares: East Asian, 0.0067%; no homozygotes.

Submissions (3):

Color Diagnostics, LLC DBA Color Health
Classification: Likely benign for Hereditary cancer-predisposing syndrome. Last evaluated: 2025-07-14. Review status: criteria provided, single submitter. Criteria: ACMG Guidelines, 2015. Collection method: clinical testing. Allele origin: germline.

Myriad Genetics, Inc.
Classification: Benign for Familial adenomatous polyposis 1. Last evaluated: 2024-04-10. Review status: criteria provided, single submitter. Criteria: Myriad Autosomal Dominant, Autosomal Recessive and X-Linked Classification Criteria (2023). Collection method: clinical testing. Allele origin: unknown.
Comment: This variant is considered benign. This variant is a silent/synonymous amino acid change and it is not expected to impact splicing.

Ambry Genetics
Classification: Likely benign for Hereditary cancer-predisposing syndrome. Last evaluated: 2020-01-02. Review status: criteria provided, single submitter. Criteria: Ambry Variant Classification Scheme 2023. Collection method: clinical testing. Allele origin: germline.

NM_000038.6(APC):c.7761G>A (p.Glu2587=)

Gene: APC (APC regulator of Wnt signaling pathway; plus strand). Cytogenetic location: 5q22.2.
Variant type: single nucleotide variant.
Coding change: c.7761G>A on transcript NM_000038.6 (MANE Select); coding-DNA position 7761, G replaced by A.
Protein change: p.Glu2587=; no amino-acid change (glutamic acid 2587 retained).
Molecular consequence: synonymous variant. On other transcripts: non-coding transcript variant (2).
Genome position (GRCh38, 1-based): chr5:112,843,355, G>A. VCF-style: chr5-112843355-G-A. GRCh37 (hg19) VCF-style: chr5-112179052-G-A.
Other names: c.7761G>A, p.Glu2587= (NM_001127510.3, NM_001354895.2, NM_001407450.1); c.7707G>A, p.Glu2569= (NM_001127511.3); c.7815G>A, p.Glu2605= (NM_001354896.2, NM_001407447.1, NM_001407448.1 and 1 more transcripts); c.7791G>A, p.Glu2597= (NM_001354897.2); c.7686G>A, p.Glu2562= (NM_001354898.2); c.7677G>A, p.Glu2559= (NM_001354899.2); c.7638G>A, p.Glu2546= (NM_001354900.2); c.7584G>A, p.Glu2528= (NM_001354901.2, NM_001407453.1); and 11 more.
Identifiers: ClinVar variation 1760506 (VCV001760506.4), dbSNP rs1766560812, ClinGen allele CA446211206.